The following is an entry in ClinVar:

ClinVar aggregate classification (germline): Uncertain significance (1 of 4 stars; one submission).

Conditions:
Early-infantile DEE. Also called: Ohtahara syndrome; Early infantile epileptic encephalopathy; Early infantile epileptic encephalopathy with suppression bursts. Identifiers: Orphanet 1934, MedGen C0393706, MONDO:0800491.

Submission:

Labcorp Genetics (formerly Invitae), Labcorp
Classification: Uncertain significance for Early-infantile DEE. Last evaluated: 2023-02-27. Review status: criteria provided, single submitter. Criteria: Invitae Variant Classification Sherloc (09022015). Collection method: clinical testing. Allele origin: germline.
Comment: This sequence change replaces glutamic acid, which is acidic and polar, with aspartic acid, which is acidic and polar, at codon 576 of the ARHGEF15 protein (p.Glu576Asp). This variant is not present in population databases (gnomAD no frequency). This variant has not been reported in the literature in individuals affected with ARHGEF15-related conditions. An algorithm developed to predict the effect of missense changes on protein structure and function (PolyPhen-2) suggests that this variant is likely to be tolerated. In summary, the available evidence is currently insufficient to determine the role of this variant in disease. Therefore, it has been classified as a Variant of Uncertain Significance.

NM_173728.4(ARHGEF15):c.1728G>T (p.Glu576Asp)

Gene: ARHGEF15 (Rho guanine nucleotide exchange factor 15; plus strand). Cytogenetic location: 17p13.1.
Variant type: single nucleotide variant.
Coding change: c.1728G>T on transcript NM_173728.4 (MANE Select); coding-DNA position 1728, G replaced by T.
Protein change: p.Glu576Asp; replaces glutamic acid 576 with aspartic acid.
Molecular consequence: missense variant.
Genome position (GRCh38, 1-based): chr17:8,318,410, G>T. VCF-style: chr17-8318410-G-T. GRCh37 (hg19) VCF-style: chr17-8221728-G-T.
Other names: c.1728G>T, p.Glu576Asp (NM_025014.2); short protein forms E576D.
Identifiers: ClinVar variation 2870950 (VCV002870950.3), dbSNP rs1905161708, ClinGen allele CA398022671.
Genomic context (GRCh38, chr17:8,318,410, plus strand): 5'-AGCAGGGGGCCCAGTCACCCTTCCTCCTTGTCCCCAGAATATCCTGCGCCAGACAGAAGA[G>T]GGGTCCAGCCGTCAGGAGAATGCCCAGAAGGCCCTGGGTGCTGTCAGCAAGGTGGGCAGT-3'
Protein context (NP_776089.2, residues 566-586): LLQNILRQTE[Glu576Asp]GSSRQENAQK